The following is an entry in ClinVar:

ClinVar aggregate classification (germline): Uncertain significance (1 of 4 stars; one submission).

Submission:

GeneDx
Classification: Uncertain significance. Last evaluated: 2024-10-02. Review status: criteria provided, single submitter. Criteria: GeneDx Variant Classification Process June 2021. Collection method: clinical testing. Allele origin: germline. Affected: yes.
Comment: Not observed at significant frequency in large population cohorts (gnomAD); In silico analysis indicates that this missense variant does not alter protein structure/function; Has not been previously published as pathogenic or benign to our knowledge

NM_001190274.2(FBXO11):c.551A>G (p.Lys184Arg)

Gene: FBXO11 (F-box protein 11; minus strand). Cytogenetic location: 2p16.3.
Variant type: single nucleotide variant.
Coding change: c.551A>G on transcript NM_001190274.2 (MANE Select); coding-DNA position 551, A replaced by G.
Protein change: p.Lys184Arg; replaces lysine 184 with arginine.
Molecular consequence: missense variant.
Genome position (GRCh38, 1-based): chr2:47,838,895, T>C on the plus strand (A>G on the coding strand, the complement: FBXO11 is on the minus strand). VCF-style: chr2-47838895-T-C. GRCh37 (hg19) VCF-style: chr2-48066034-T-C.
Other names: c.299A>G, p.Lys100Arg (NM_001374325.1, NM_025133.4); short protein forms K100R, K184R.
Identifiers: ClinVar variation 3776642 (VCV003776642.1).